The following is an entry in ClinVar:

NM_018124.4(RFWD3):c.186C>A (p.Ser62Arg)

Gene: RFWD3 (ring finger and WD repeat domain 3; minus strand). Cytogenetic location: 16q23.1.
Variant type: single nucleotide variant.
Coding change: c.186C>A on transcript NM_018124.4 (MANE Select); coding-DNA position 186, C replaced by A.
Protein change: p.Ser62Arg; replaces serine 62 with arginine.
Molecular consequence: missense variant. On other transcripts: 5 prime UTR variant (4), intron variant (1).
Genome position (GRCh38, 1-based): chr16:74,661,264, G>T on the plus strand (C>A on the coding strand, the complement: RFWD3 is on the minus strand). VCF-style: chr16-74661264-G-T. GRCh37 (hg19) VCF-style: chr16-74695162-G-T.
Other names: c.186C>A, p.Ser62Arg (NM_001370534.1, NM_001370535.1, NM_001370536.1); c.-823C>A (NM_001370537.1); c.-446C>A (NM_001370539.1); c.-700C>A (NM_001370542.1); c.-578C>A (NM_001370543.1); c.-317+3360C>A (NM_001370540.1); short protein forms S62R.
Identifiers: ClinVar variation 3683053 (VCV003683053.2).

ClinVar aggregate classification (germline): Uncertain significance (1 of 4 stars; one submission).

Submission:

Labcorp Genetics (formerly Invitae), Labcorp
Classification: Uncertain significance. Last evaluated: 2024-04-09. Review status: criteria provided, single submitter. Criteria: Invitae Variant Classification Sherloc (09022015). Collection method: clinical testing. Allele origin: germline.
Comment: This sequence change replaces serine, which is neutral and polar, with arginine, which is basic and polar, at codon 62 of the RFWD3 protein (p.Ser62Arg). This variant is not present in population databases (gnomAD no frequency). This variant has not been reported in the literature in individuals affected with RFWD3-related conditions. An algorithm developed to predict the effect of missense changes on protein structure and function (PolyPhen-2) suggests that this variant is likely to be tolerated. In summary, the available evidence is currently insufficient to determine the role of this variant in disease. Therefore, it has been classified as a Variant of Uncertain Significance.